The following is an entry in ClinVar:

ClinVar aggregate classification (germline): Uncertain significance. Review status: criteria provided, multiple submitters, no conflicts (2 of 4 stars). 2 submissions from 2 submitters: Uncertain significance (2). Last evaluated 2025-04-04.

Conditions:
Inborn genetic diseases. Identifiers: MedGen C0950123, MeSH D030342.

Allele frequency attached by ClinVar (database versions not stated): ExAC 0.00003; gnomAD 0.00001; gnomAD exomes 0.00003; TOPMed 0.00004.
gnomAD v4.1: 50 of 1,608,742 alleles (0.0031%); highest among the groups gnomAD compares: South Asian, 0.03%; no homozygotes.

Submissions (2):

GeneDx
Classification: Uncertain significance. Last evaluated: 2025-04-04. Review status: criteria provided, single submitter. Criteria: GeneDx Variant Classification Process June 2021. Collection method: clinical testing. Allele origin: germline. Affected: yes.
Comment: In silico analysis supports that this missense variant has a deleterious effect on protein structure/function; Has not been previously published as pathogenic or benign to our knowledge

Ambry Genetics
Classification: Uncertain significance for Inborn genetic diseases. Last evaluated: 2025-02-25. Review status: criteria provided, single submitter. Criteria: Ambry Variant Classification Scheme 2023. Collection method: clinical testing. Allele origin: germline.

NM_001379659.1(ZNF142):c.4594C>T (p.Arg1532Cys)

Gene: ZNF142 (zinc finger protein 142; minus strand). Cytogenetic location: 2q35.
Variant type: single nucleotide variant.
Coding change: c.4594C>T on transcript NM_001379659.1 (MANE Select); coding-DNA position 4594, C replaced by T.
Protein change: p.Arg1532Cys; replaces arginine 1532 with cysteine.
Molecular consequence: missense variant.
Genome position (GRCh38, 1-based): chr2:218,642,522, G>A on the plus strand (C>T on the coding strand, the complement: ZNF142 is on the minus strand). VCF-style: chr2-218642522-G-A. GRCh37 (hg19) VCF-style: chr2-219507245-G-A.
Other names: c.3505C>T, p.Arg1169Cys (NM_001366287.3, NM_001366288.3, NM_001366289.3); c.4594C>T, p.Arg1532Cys (NM_001366290.3, NM_001379660.1, NM_001379661.1); c.3994C>T, p.Arg1332Cys (NM_001366291.3, NM_001105537.5, NM_001379662.1); short protein forms R1169C, R1332C, R1532C.
Identifiers: ClinVar variation 2212904 (VCV002212904.4), dbSNP rs759147770, ClinGen allele CA2108740.